The following is an entry in ClinVar:

ClinVar aggregate classification (germline): Uncertain significance (1 of 4 stars; one submission).

Allele frequency attached by ClinVar (database versions not stated): ExAC 0.00001; gnomAD exomes 0.00001 and 0.00002; gnomAD 0.00001; TOPMed 0.00002.
gnomAD v4.1: 27 of 1,603,128 alleles (0.0017%); highest among the groups gnomAD compares: African/African-American, 0.004%; no homozygotes.

Submission:

Labcorp Genetics (formerly Invitae), Labcorp
Classification: Uncertain significance. Last evaluated: 2018-05-07. Review status: criteria provided, single submitter. Criteria: Invitae Variant Classification Sherloc (09022015). Collection method: clinical testing. Allele origin: germline.
Comment: In summary, the available evidence is currently insufficient to determine the role of this variant in disease. Therefore, it has been classified as a Variant of Uncertain Significance. Algorithms developed to predict the effect of missense changes on protein structure and function (SIFT, PolyPhen-2, Align-GVGD) all suggest that this variant is likely to be tolerated, but these predictions have not been confirmed by published functional studies. Nucleotide substitutions within the consensus splice site are relatively common causes of aberrant splicing (PMID: 17576681, 9536098) but according to multiple splice site algorithms this particular variant is not predicted to significantly affect splicing. These predictions have not been confirmed by published functional studies. This variant has been reported in an individual affected with non-medullary thyroid cancer (PMID: 26530882). ClinVar contains an entry for this variant (Variation ID: 136024). This variant is present in population databases (rs587780767, ExAC 0.002%). This sequence change replaces threonine with isoleucine at codon 164 of the EPCAM protein (p.Thr164Ile). The threonine residue is moderately conserved and there is a moderate physicochemical difference between threonine and isoleucine. It also falls at the last nucleotide of exon 4 of the EPCAM mRNA.

Literature cited by the submitters: PubMed 17576681; PubMed 9536098; PubMed 26530882.

NM_002354.3(EPCAM):c.491C>T (p.Thr164Ile)

Gene: EPCAM (epithelial cell adhesion molecule; plus strand). Cytogenetic location: 2p21.
Variant type: single nucleotide variant.
Coding change: c.491C>T on transcript NM_002354.3 (MANE Select); coding-DNA position 491, C replaced by T.
Protein change: p.Thr164Ile; replaces threonine 164 with isoleucine.
Molecular consequence: missense variant.
Genome position (GRCh38, 1-based): chr2:47,375,299, C>T. VCF-style: chr2-47375299-C-T. GRCh37 (hg19) VCF-style: chr2-47602438-C-T.
Other names: short protein forms T164I.
Identifiers: ClinVar variation 136024 (VCV000136024.10), dbSNP rs587780767, ClinGen allele CA332782.